The following is an entry in ClinVar:

NM_000051.4(ATM):c.7332G>C (p.Glu2444Asp)

Genes: ATM (ATM serine/threonine kinase; plus strand), C11orf65 (chromosome 11 open reading frame 65; minus strand). Cytogenetic location: 11q22.3.
Variant type: single nucleotide variant.
Coding change: c.7332G>C on transcript NM_000051.4 (MANE Select); coding-DNA position 7332, G replaced by C.
Protein change: p.Glu2444Asp; replaces glutamic acid 2444 with aspartic acid.
Molecular consequence: missense variant. On other transcripts: intron variant (2).
Genome position (GRCh38, 1-based): chr11:108,330,238, G>C. VCF-style: chr11-108330238-G-C. GRCh37 (hg19) VCF-style: chr11-108200965-G-C.
Other names: c.7332G>C, p.Glu2444Asp (NM_001351834.2); c.641-21167C>G (NM_001330368.2); c.*38+4982C>G (NM_001351110.2); short protein forms E2444D.
Identifiers: ClinVar variation 230986 (VCV000230986.21), dbSNP rs876658886, ClinGen allele CA10579257.

ClinVar aggregate classification (germline): Uncertain significance. Review status: criteria provided, multiple submitters, no conflicts (2 of 4 stars). 4 submissions from 4 submitters: Uncertain significance (4). Last evaluated 2024-09-17.

Conditions:
Hereditary cancer-predisposing syndrome. Also called: Neoplastic Syndromes, Hereditary; Hereditary neoplastic syndrome; Tumor predisposition; Hereditary Cancer Syndrome. Identifiers: Orphanet 140162, MedGen C0027672, MeSH D009386, MONDO:0015356.
Ataxia-telangiectasia syndrome (AT). Also called: Ataxia telangiectasia (A-T); Cerebello-oculocutaneous telangiectasia; Immunodeficiency with ataxia telangiectasia; LOUIS-BAR SYNDROME; AT, COMPLEMENTATION GROUP C; ATAXIA-TELANGIECTASIA, FRESNO VARIANT. Identifiers: Orphanet 100, MedGen C0004135, MONDO:0008840, OMIM 208900.

Allele frequency attached by ClinVar (database versions not stated): gnomAD exomes below 0.00001.
gnomAD v4.1: 1 of 1,614,160 alleles (0.000062%); highest among the groups gnomAD compares: Non-Finnish European, 0.000085%; no homozygotes.

Submissions (4):

Ambry Genetics
Classification: Uncertain significance for Hereditary cancer-predisposing syndrome. Last evaluated: 2024-09-17. Review status: criteria provided, single submitter. Criteria: Ambry Variant Classification Scheme 2023. Collection method: clinical testing. Allele origin: germline.
Comment: The p.E2444D variant (also known as c.7332G>C), located in coding exon 49 of the ATM gene, results from a G to C substitution at nucleotide position 7332. The glutamic acid at codon 2444 is replaced by aspartic acid, an amino acid with highly similar properties. This amino acid position is highly conserved in available vertebrate species. In addition, the in silico prediction for this alteration is inconclusive. Based on the available evidence, the clinical significance of this variant remains unclear.

Color Diagnostics, LLC DBA Color Health
Classification: Uncertain significance for Hereditary cancer-predisposing syndrome. Last evaluated: 2024-03-06. Review status: criteria provided, single submitter. Criteria: ACMG Guidelines, 2015. Collection method: clinical testing. Allele origin: germline.
Comment: This missense variant replaces glutamic acid with aspartic acid at codon 2444 of the ATM protein. Computational prediction is inconclusive regarding the impact of this variant on protein structure and function (internally defined REVEL score threshold 0.5 < inconclusive < 0.7, PMID: 27666373). Splice site prediction tools suggest that this variant may not impact RNA splicing. To our knowledge, functional studies have not been performed for this variant. This variant has not been reported in individuals affected with hereditary cancer in the literature. This variant has not been identified in the general population by the Genome Aggregation Database (gnomAD). The available evidence is insufficient to determine the role of this variant in disease conclusively. Therefore, this variant is classified as a Variant of Uncertain Significance.

Labcorp Genetics (formerly Invitae), Labcorp
Classification: Uncertain significance for Ataxia-telangiectasia syndrome. Last evaluated: 2023-10-16. Review status: criteria provided, single submitter. Criteria: Invitae Variant Classification Sherloc (09022015). Collection method: clinical testing. Allele origin: germline.
Comment: This sequence change replaces glutamic acid, which is acidic and polar, with aspartic acid, which is acidic and polar, at codon 2444 of the ATM protein (p.Glu2444Asp). This variant is not present in population databases (gnomAD no frequency). This variant has not been reported in the literature in individuals affected with ATM-related conditions. ClinVar contains an entry for this variant (Variation ID: 230986). An algorithm developed to predict the effect of missense changes on protein structure and function (PolyPhen-2) suggests that this variant is likely to be disruptive. In summary, the available evidence is currently insufficient to determine the role of this variant in disease. Therefore, it has been classified as a Variant of Uncertain Significance.

GeneDx
Classification: Uncertain significance. Last evaluated: 2015-08-27. Review status: criteria provided, single submitter. Criteria: GeneDx Variant Classification (06012015). Collection method: clinical testing. Allele origin: germline. Affected: yes.
Comment: This variant is denoted ATM c.7332G>C at the cDNA level, p.Glu2444Asp (E2444D) at the protein level, and results in the change of a Glutamic Acid to an Aspartic Acid (GAG>GAC). This variant has not, to our knowledge, been published in the literature as pathogenic or benign. ATM Glu2444Asp was not observed in approximately 6,500 individuals of European and African American ancestry in the NHLBI Exome Sequencing Project, indicating it is not a common benign variant in these populations. Since Glutamic Acid and Aspartic Acid share similar properties, this is considered a conservative amino acid substitution. ATM Glu2444Asp occurs at a position that is conserved across species and is located in the FAT domain (Stracker 2013, UniProt). In silico analyses are inconsistent regarding the effect this variant may have on protein structure and function. Based on currently available information, it is unclear whether ATM Glu2444Asp is pathogenic or benign. We consider it to be a variant of uncertain significance.